The following is an entry in ClinVar:

ClinVar aggregate classification (germline): Likely benign (1 of 4 stars; one submission).

gnomAD v4.1: 1 of 1,614,240 alleles (0.000062%); highest among the groups gnomAD compares: Non-Finnish European, 0.000085%; no homozygotes.

Submission:

Women's Health and Genetics/Laboratory Corporation of America, LabCorp
Classification: Likely benign. Last evaluated: 2024-12-02. Review status: criteria provided, single submitter. Criteria: LabCorp Variant Classification Summary - May 2015. Collection method: clinical testing. Allele origin: germline.
Comment: Variant summary: NSD1 c.5769A>T alters a non-conserved nucleotide resulting in a synonymous change. Consensus agreement among computation tools predict no significant impact on normal splicing. However, these predictions have yet to be confirmed by functional studies. The variant was absent in 251440 control chromosomes. The available data on variant occurrences in the general population are insufficient to allow any conclusion about variant significance. To our knowledge, no occurrence of c.5769A>T in individuals affected with NDS1-related conditions and no experimental evidence demonstrating its impact on protein function have been reported. No submitters have cited clinical-significance assessments for this variant to ClinVar. Based on the evidence outlined above, the variant was classified as likely benign.

NM_022455.5(NSD1):c.5769A>T (p.Thr1923=)

Gene: NSD1 (nuclear receptor binding SET domain protein 1; plus strand). Cytogenetic location: 5q35.3.
Variant type: single nucleotide variant.
Coding change: c.5769A>T on transcript NM_022455.5 (MANE Select); coding-DNA position 5769, A replaced by T.
Protein change: p.Thr1923=; no amino-acid change (threonine 1923 retained).
Molecular consequence: synonymous variant.
Genome position (GRCh38, 1-based): chr5:177,280,711, A>T. VCF-style: chr5-177280711-A-T. GRCh37 (hg19) VCF-style: chr5-176707712-A-T.
Other names: c.4896A>T, p.Thr1632= (NM_001365684.2, NM_001409308.1, NM_001409309.1 and 1 more transcripts); c.5769A>T, p.Thr1923= (NM_001409301.1, NM_001409302.1, NM_001409303.1); c.5349A>T, p.Thr1783= (NM_001409304.1); c.5016A>T, p.Thr1672= (NM_001409305.1); c.5007A>T, p.Thr1669= (NM_001409306.1, NM_001409307.1).
Identifiers: ClinVar variation 3768361 (VCV003768361.1).
Genomic context (GRCh38, chr5:177,280,711, plus strand): 5'-CCCCTGTGGGATAGACTCTGAATGCATCAACCGCATGCTGCTCTATGAGTGCCACCCCAC[A>T]GTGTGTCCTGCCGGAGGGCGCTGTCAAAACCAGTGCTTTTCCAAGCGCCAATATCCAGAG-3'
Protein context (NP_071900.2, residues 1913-1933): NRMLLYECHP[Thr1923=]VCPAGGRCQN